The following is an entry in ClinVar:

NM_005060.4(RORC):c.711G>T (p.Arg237Ser)

Gene: RORC (RAR related orphan receptor C; minus strand). Cytogenetic location: 1q21.3.
Variant type: single nucleotide variant.
Coding change: c.711G>T on transcript NM_005060.4 (MANE Select); coding-DNA position 711, G replaced by T.
Protein change: p.Arg237Ser; replaces arginine 237 with serine.
Molecular consequence: missense variant.
Genome position (GRCh38, 1-based): chr1:151,815,013, C>A on the plus strand (G>T on the coding strand, the complement: RORC is on the minus strand). VCF-style: chr1-151815013-C-A. GRCh37 (hg19) VCF-style: chr1-151787489-C-A.
Other names: c.648G>T, p.Arg216Ser (NM_001001523.2); short protein forms R216S, R237S.
Identifiers: ClinVar variation 839577 (VCV000839577.5), dbSNP rs144219320, ClinGen allele CA30498237.

ClinVar aggregate classification (germline): Uncertain significance. Review status: criteria provided, multiple submitters, no conflicts (2 of 4 stars). 2 submissions from 2 submitters: Uncertain significance (2). Last evaluated 2025-08-01.

Conditions:
Inborn genetic diseases. Identifiers: MedGen C0950123, MeSH D030342.
Autosomal recessive mendelian susceptibility to mycobacterial diseases due to complete RORgamma receptor deficiency. Also called: Immunodeficiency 42. Identifiers: Orphanet 477857, MedGen C5567647, MONDO:0014710, OMIM 616622.

gnomAD v4.1: 6 of 1,614,110 alleles (0.00037%); highest among the groups gnomAD compares: Admixed American, 0.0017%; no homozygotes.

Submissions (2):

Ambry Genetics
Classification: Uncertain significance for Inborn genetic diseases. Last evaluated: 2025-08-01. Review status: criteria provided, single submitter. Criteria: Ambry Variant Classification Scheme 2023. Collection method: clinical testing. Allele origin: germline.

Labcorp Genetics (formerly Invitae), Labcorp
Classification: Uncertain significance for Autosomal recessive mendelian susceptibility to mycobacterial diseases due to complete RORgamma receptor deficiency. Last evaluated: 2022-10-04. Review status: criteria provided, single submitter. Criteria: Invitae Variant Classification Sherloc (09022015). Collection method: clinical testing. Allele origin: germline.
Comment: In summary, the available evidence is currently insufficient to determine the role of this variant in disease. Therefore, it has been classified as a Variant of Uncertain Significance. Algorithms developed to predict the effect of missense changes on protein structure and function (SIFT, PolyPhen-2, Align-GVGD) all suggest that this variant is likely to be tolerated. ClinVar contains an entry for this variant (Variation ID: 839577). This variant has not been reported in the literature in individuals affected with RORC-related conditions. This variant is not present in population databases (gnomAD no frequency). This sequence change replaces arginine, which is basic and polar, with serine, which is neutral and polar, at codon 237 of the RORC protein (p.Arg237Ser).